The following is an entry in ClinVar:

NM_000350.3(ABCA4):c.4025C>T (p.Pro1342Leu)

Gene: ABCA4 (ATP binding cassette subfamily A member 4; minus strand). Cytogenetic location: 1p22.1.
Variant type: single nucleotide variant.
Coding change: c.4025C>T on transcript NM_000350.3 (MANE Select); coding-DNA position 4025, C replaced by T.
Protein change: p.Pro1342Leu; replaces proline 1342 with leucine.
Molecular consequence: missense variant.
Genome position (GRCh38, 1-based): chr1:94,031,881, G>A on the plus strand (C>T on the coding strand, the complement: ABCA4 is on the minus strand). VCF-style: chr1-94031881-G-A. GRCh37 (hg19) VCF-style: chr1-94497437-G-A.
Other names: c.4025C>T (NM_000350.2); c.3803C>T, p.Pro1268Leu (NM_001425324.1); short protein forms P1342L, P1268L.
Identifiers: ClinVar variation 1515849 (VCV001515849.4), dbSNP rs981447805, ClinGen allele CA26855410.

ClinVar aggregate classification (germline): Uncertain significance. Review status: criteria provided, multiple submitters, no conflicts (2 of 4 stars). 2 submissions from 2 submitters: Uncertain significance (2). Last evaluated 2024-10-17.

Conditions:
ABCA4-related disorder. Also called: ABCA4-related condition; ABCA4-related disorders. Identifiers: MedGen CN239167.

Allele frequency attached by ClinVar (database versions not stated): gnomAD exomes 0.00001; TOPMed 0.00002; gnomAD 0.00003 and 0.00004.
gnomAD v4.1: 12 of 1,614,062 alleles (0.00074%); highest among the groups gnomAD compares: African/African-American, 0.0093%; no homozygotes.

Submissions (2):

PreventionGenetics, part of Exact Sciences
Classification: Uncertain significance for ABCA4-related condition. Last evaluated: 2024-10-17. Review status: criteria provided, single submitter. Criteria: ACMG Guidelines, 2015. Collection method: clinical testing. Allele origin: germline.
Comment: The ABCA4 c.4025C>T variant is predicted to result in the amino acid substitution p.Pro1342Leu. To our knowledge, this variant has not been reported in the literature. This variant is reported in 0.016% of alleles in individuals of African descent in gnomAD. At this time, the clinical significance of this variant is uncertain due to the absence of conclusive functional and genetic evidence.

Labcorp Genetics (formerly Invitae), Labcorp
Classification: Uncertain significance. Last evaluated: 2021-09-17. Review status: criteria provided, single submitter. Criteria: Invitae Variant Classification Sherloc (09022015). Collection method: clinical testing. Allele origin: germline.
Comment: This sequence change replaces proline with leucine at codon 1342 of the ABCA4 protein (p.Pro1342Leu). The proline residue is weakly conserved and there is a moderate physicochemical difference between proline and leucine. This variant is not present in population databases (ExAC no frequency). This variant has not been reported in the literature in individuals affected with ABCA4-related conditions. Advanced modeling of protein sequence and biophysical properties (such as structural, functional, and spatial information, amino acid conservation, physicochemical variation, residue mobility, and thermodynamic stability) performed at Invitae indicates that this missense variant is not expected to disrupt ABCA4 protein function. In summary, the available evidence is currently insufficient to determine the role of this variant in disease. Therefore, it has been classified as a Variant of Uncertain Significance.